The following is an entry in ClinVar:

NM_001393769.1(MED12L):c.4958T>C (p.Ile1653Thr)

Gene: MED12L (mediator complex subunit 12L; plus strand). Cytogenetic location: 3q25.1.
Variant type: single nucleotide variant.
Coding change: c.4958T>C on transcript NM_001393769.1 (MANE Select); coding-DNA position 4958, T replaced by C.
Protein change: p.Ile1653Thr; replaces isoleucine 1653 with threonine.
Molecular consequence: missense variant.
Genome position (GRCh38, 1-based): chr3:151,385,061, T>C. VCF-style: chr3-151385061-T-C. GRCh37 (hg19) VCF-style: chr3-151102849-T-C.
Other names: c.4853T>C, p.Ile1618Thr (NM_053002.6); short protein forms I1618T, I1653T.
Identifiers: ClinVar variation 4538815 (VCV004538815.1).

ClinVar aggregate classification (germline): Uncertain significance (1 of 4 stars; one submission).

gnomAD v4.1: 1 of 1,602,202 alleles (0.000062%); highest among the groups gnomAD compares: Non-Finnish European, 0.000085%; no homozygotes.

Submission:

GeneDx
Classification: Uncertain significance. Last evaluated: 2025-06-21. Review status: criteria provided, single submitter. Criteria: GeneDx Variant Classification Process June 2021. Collection method: clinical testing. Allele origin: germline. Affected: yes.
Comment: Not observed at significant frequency in large population cohorts (gnomAD); In silico analysis supports that this missense variant has a deleterious effect on protein structure/function; Has not been previously published as pathogenic or benign to our knowledge